The following is an entry in ClinVar:

NM_000133.4(F9):c.1292G>T (p.Trp431Leu)

Gene: F9 (coagulation factor IX; plus strand). Cytogenetic location: Xq27.1.
Variant type: single nucleotide variant.
Coding change: c.1292G>T on transcript NM_000133.4 (MANE Select); coding-DNA position 1292, G replaced by T.
Protein change: p.Trp431Leu; replaces tryptophan 431 with leucine.
Molecular consequence: missense variant.
Genome position (GRCh38, 1-based): chrX:139,561,977, G>T. VCF-style: chrX-139561977-G-T. GRCh37 (hg19) VCF-style: chrX-138644136-G-T.
Other names: c.1178G>T, p.Trp393Leu (NM_001313913.2); short protein forms W393L, W431L.
Identifiers: ClinVar variation 2954294 (VCV002954294.3), dbSNP rs1928130087, ClinGen allele CA414447141.
Genomic context (GRCh38, chrX:139,561,977, plus strand): 5'-GTGGGGGACCCCATGTTACTGAAGTGGAAGGGACCAGTTTCTTAACTGGAATTATTAGCT[G>T]GGGTGAAGAGTGTGCAATGAAAGGCAAATATGGAATATATACCAAGGTATCCCGGTATGT-3'
Protein context (NP_000124.1, residues 421-441): GTSFLTGIIS[Trp431Leu]GEECAMKGKY

ClinVar aggregate classification (germline): Uncertain significance (1 of 4 stars; one submission).

Conditions:
Thrombophilia, X-linked, due to factor 9 defect. Identifiers: MedGen C2749016, MONDO:0010432, OMIM 300807.
Hereditary factor IX deficiency disease (HEMB). Also called: Christmas Disease; F9 DEFICIENCY; FACTOR IX DEFICIENCY; PLASMA THROMBOPLASTIN COMPONENT DEFICIENCY; Hemophilia B. Identifiers: Orphanet 98879, MedGen C0008533, MeSH D002836, MONDO:0010604, OMIM 306900.

Submission:

Labcorp Genetics (formerly Invitae), Labcorp
Classification: Uncertain significance for Thrombophilia, X-linked, due to factor 9 defect; Hereditary factor IX deficiency disease. Last evaluated: 2023-11-28. Review status: criteria provided, single submitter. Criteria: Invitae Variant Classification Sherloc (09022015). Collection method: clinical testing. Allele origin: germline.
Comment: This sequence change replaces tryptophan, which is neutral and slightly polar, with leucine, which is neutral and non-polar, at codon 431 of the F9 protein (p.Trp431Leu). This variant is not present in population databases (gnomAD no frequency). This variant has not been reported in the literature in individuals affected with F9-related conditions. Advanced modeling of protein sequence and biophysical properties (such as structural, functional, and spatial information, amino acid conservation, physicochemical variation, residue mobility, and thermodynamic stability) performed at Invitae indicates that this missense variant is not expected to disrupt F9 protein function with a negative predictive value of 80%. This variant disrupts the p.Trp431 amino acid residue in F9. Other variant(s) that disrupt this residue have been determined to be pathogenic (PMID: 7937052, 19699296, 22639855; Invitae). This suggests that this residue is clinically significant, and that variants that disrupt this residue are likely to be disease-causing. In summary, the available evidence is currently insufficient to determine the role of this variant in disease. Therefore, it has been classified as a Variant of Uncertain Significance.

Literature cited by the submitters: PubMed 7937052; PubMed 19699296; PubMed 22639855.